The following is an entry in ClinVar:

NM_015910.7(WDPCP):c.634-1G>A

Gene: WDPCP (WD repeat containing planar cell polarity effector; minus strand). Cytogenetic location: 2p15.
Variant type: single nucleotide variant.
Coding change: c.634-1G>A on transcript NM_015910.7 (MANE Select); the canonical splice acceptor site of the intron before coding-DNA position 634, G replaced by A.
Molecular consequence: splice acceptor variant.
Genome position (GRCh38, 1-based): chr2:63,433,937, C>T on the plus strand (G>A on the coding strand, the complement: WDPCP is on the minus strand). VCF-style: chr2-63433937-C-T. GRCh37 (hg19) VCF-style: chr2-63661071-C-T.
Other names: c.157-1G>A (NM_001042692.3); c.634-1G>A (NM_001354045.2); c.562-1G>A (NM_001354044.2).
Identifiers: ClinVar variation 3657474 (VCV003657474.2).

ClinVar aggregate classification (germline): Likely pathogenic (1 of 4 stars; one submission).

Conditions:
Bardet-Biedl syndrome (BBS). Identifiers: Orphanet 110, MedGen C0752166, MONDO:0015229.

Submission:

Labcorp Genetics (formerly Invitae), Labcorp
Classification: Likely pathogenic for Bardet-Biedl syndrome. Last evaluated: 2024-06-22. Review status: criteria provided, single submitter. Criteria: Invitae Variant Classification Sherloc (09022015). Collection method: clinical testing. Allele origin: germline.
Comment: This sequence change affects an acceptor splice site in intron 8 of the WDPCP gene. It is expected to disrupt RNA splicing. Variants that disrupt the donor or acceptor splice site typically lead to a loss of protein function (PMID: 16199547), and loss-of-function variants in WDPCP are known to be pathogenic (PMID: 20671153, 25427950, 27158779). This variant is not present in population databases (gnomAD no frequency). This variant has not been reported in the literature in individuals affected with WDPCP-related conditions. Algorithms developed to predict the effect of sequence changes on RNA splicing suggest that this variant may disrupt the consensus splice site. In summary, the currently available evidence indicates that the variant is pathogenic, but additional data are needed to prove that conclusively. Therefore, this variant has been classified as Likely Pathogenic.

Literature cited by the submitters: PubMed 16199547; PubMed 20671153; PubMed 25427950; PubMed 27158779.